The following is an entry in ClinVar:

NM_004370.6(COL12A1):c.4417+5G>A

Genes: COL12A1 (collagen type XII alpha 1 chain; minus strand), LOC129996730 (ATAC-STARR-seq lymphoblastoid active region 24756; plus strand). Cytogenetic location: 6q13.
Variant type: single nucleotide variant.
Coding change: c.4417+5G>A on transcript NM_004370.6 (MANE Select); 5 bases into the intron after coding-DNA position 4417, G replaced by A.
Molecular consequence: intron variant.
Genome position (GRCh38, 1-based): chr6:75,147,670, C>T on the plus strand (G>A on the coding strand, the complement: COL12A1 is on the minus strand). VCF-style: chr6-75147670-C-T. GRCh37 (hg19) VCF-style: chr6-75857386-C-T.
Other names: c.925+5G>A (NM_080645.3).
Identifiers: ClinVar variation 2098038 (VCV002098038.4), dbSNP rs2533371745, ClinGen allele CA2580075816.

ClinVar aggregate classification (germline): Uncertain significance (1 of 4 stars; one submission).

Conditions:
Ullrich congenital muscular dystrophy 2 (UCMD2). Identifiers: Orphanet 75840, MedGen C4225314, MONDO:0014654, OMIM 616470.
Bethlem myopathy 2 (BTHLM2). Identifiers: Orphanet 536516, Orphanet 610, MedGen C4225313, MONDO:0034022, OMIM 616471.

Submission:

Labcorp Genetics (formerly Invitae), Labcorp
Classification: Uncertain significance for Bethlem myopathy 2; Ullrich congenital muscular dystrophy 2. Last evaluated: 2022-03-18. Review status: criteria provided, single submitter. Criteria: Invitae Variant Classification Sherloc (09022015). Collection method: clinical testing. Allele origin: germline.
Comment: In summary, the available evidence is currently insufficient to determine the role of this variant in disease. Therefore, it has been classified as a Variant of Uncertain Significance. Variants that disrupt the consensus splice site are a relatively common cause of aberrant splicing (PMID: 17576681, 9536098). Algorithms developed to predict the effect of sequence changes on RNA splicing suggest that this variant may disrupt the consensus splice site. This variant has not been reported in the literature in individuals affected with COL12A1-related conditions. This variant is not present in population databases (gnomAD no frequency). This sequence change falls in intron 23 of the COL12A1 gene. It does not directly change the encoded amino acid sequence of the COL12A1 protein. It affects a nucleotide within the consensus splice site.

Literature cited by the submitters: PubMed 17576681; PubMed 9536098.